The following is an entry in ClinVar:

ClinVar aggregate classification (germline): Conflicting classifications of pathogenicity. Review status: criteria provided, conflicting classifications (1 of 4 stars). 3 submissions from 3 submitters: Uncertain significance (2); Benign (1). Last evaluated 2026-05-18.

Conditions:
Hereditary sensory and autonomic neuropathy type 7. Also called: Neuropathy, hereditary sensory and autonomic, type VII; HSAN VII. Identifiers: Orphanet 391397, MedGen C3809882, MONDO:0014244, OMIM 615548.
Familial episodic pain syndrome with predominantly lower limb involvement. Also called: Episodic pain syndrome, familial, 3. Identifiers: Orphanet 391384, Orphanet 391392, MedGen C3809899, MONDO:0014247, OMIM 615552.
Inborn genetic diseases. Identifiers: MedGen C0950123, MeSH D030342.
SCN11A-related disorder. Also called: SCN11A-related condition.

Allele frequency attached by ClinVar (database versions not stated): gnomAD 0.00009 and 0.00011; TOPMed 0.00011; ESP Exome Variant Server 0.00015; 1000 Genomes Project 30x 0.00031; 1000 Genomes Project 0.00040.
gnomAD v4.1: 40 of 1,614,148 alleles (0.0025%); highest among the groups gnomAD compares: African/African-American, 0.045%; no homozygotes.

Submissions (3):

PreventionGenetics, part of Exact Sciences
Classification: Uncertain significance for SCN11A-related condition. Last evaluated: 2026-05-18. Review status: criteria provided, single submitter. Criteria: ACMG Guidelines, 2015. Collection method: clinical testing. Allele origin: germline.
Comment: The SCN11A c.1223A>G variant is predicted to result in the amino acid substitution p.Lys408Arg. To our knowledge, this variant has not been reported in the literature. This variant is reported in 0.036% of alleles in individuals of African descent in gnomAD. Although we suspect that this variant may be benign, at this time, the clinical significance of this variant is uncertain due to the absence of conclusive functional and genetic evidence.

Labcorp Genetics (formerly Invitae), Labcorp
Classification: Uncertain significance for Familial episodic pain syndrome with predominantly lower limb involvement; Hereditary sensory and autonomic neuropathy type 7. Last evaluated: 2025-06-12. Review status: criteria provided, single submitter. Criteria: Invitae Variant Classification Sherloc (09022015). Collection method: clinical testing. Allele origin: germline.
Comment: This sequence change replaces lysine, which is basic and polar, with arginine, which is basic and polar, at codon 408 of the SCN11A protein (p.Lys408Arg). This variant is present in population databases (rs149399418, gnomAD 0.04%). This variant has not been reported in the literature in individuals affected with SCN11A-related conditions. ClinVar contains an entry for this variant (Variation ID: 663655). Invitae Evidence Modeling of protein sequence and biophysical properties (such as structural, functional, and spatial information, amino acid conservation, physicochemical variation, residue mobility, and thermodynamic stability) indicates that this missense variant is not expected to disrupt SCN11A protein function with a negative predictive value of 80%. In summary, the available evidence is currently insufficient to determine the role of this variant in disease. Therefore, it has been classified as a Variant of Uncertain Significance.

Ambry Genetics
Classification: Benign for Inborn genetic diseases. Last evaluated: 2021-12-14. Review status: criteria provided, single submitter. Criteria: Ambry Variant Classification Scheme 2023. Collection method: clinical testing. Allele origin: germline.

NM_001349253.2(SCN11A):c.1223A>G (p.Lys408Arg)

Gene: SCN11A (sodium voltage-gated channel alpha subunit 11; minus strand). Cytogenetic location: 3p22.2.
Variant type: single nucleotide variant.
Coding change: c.1223A>G on transcript NM_001349253.2 (MANE Select); coding-DNA position 1223, A replaced by G.
Protein change: p.Lys408Arg; replaces lysine 408 with arginine.
Molecular consequence: missense variant.
Genome position (GRCh38, 1-based): chr3:38,909,073, T>C on the plus strand (A>G on the coding strand, the complement: SCN11A is on the minus strand). VCF-style: chr3-38909073-T-C. GRCh37 (hg19) VCF-style: chr3-38950564-T-C.
Other names: c.1223A>G, p.Lys408Arg (NM_014139.3); short protein forms K408R.
Identifiers: ClinVar variation 663655 (VCV000663655.11), dbSNP rs149399418, ClinGen allele CA2322373.